The following is an entry in ClinVar:

ClinVar aggregate classification (germline): Benign (1 of 4 stars; one submission).

Allele frequency attached by ClinVar (database versions not stated): gnomAD exomes below 0.00001; TOPMed below 0.00001; ExAC 0.00001; gnomAD 0.00001.
gnomAD v4.1: 2 of 1,614,022 alleles (0.00012%); highest among the groups gnomAD compares: East Asian, 0.0045%; no homozygotes.

Submission:

GeneDx
Classification: Benign. Last evaluated: 2022-03-15. Review status: criteria provided, single submitter. Criteria: GeneDx Variant Classification Process June 2021. Collection method: clinical testing. Allele origin: germline. Affected: yes.
Comment: In silico analysis supports that this variant does not alter splicing; Not observed at a significant frequency in large population cohorts (gnomAD); Has not been previously published as pathogenic or benign to our knowledge

NM_003106.4(SOX2):c.156C>A (p.Ser52=)

Genes: SOX2 (SRY-box transcription factor 2; plus strand), SOX2-OT (SOX2 overlapping transcript; plus strand), LOC108281177 (SOX2 5' regulatory region; plus strand). Cytogenetic location: 3q26.33.
Variant type: single nucleotide variant.
Coding change: c.156C>A on transcript NM_003106.4 (MANE Select); coding-DNA position 156, C replaced by A.
Protein change: p.Ser52=; no amino-acid change (serine 52 retained).
Molecular consequence: synonymous variant.
Genome position (GRCh38, 1-based): chr3:181,712,516, C>A. VCF-style: chr3-181712516-C-A. GRCh37 (hg19) VCF-style: chr3-181430304-C-A.
Identifiers: ClinVar variation 1344918 (VCV001344918.2), dbSNP rs759072077, ClinGen allele CA2717250.